The following is an entry in ClinVar:

NM_005120.3(MED12):c.5203C>T (p.Arg1735Cys)

Gene: MED12 (mediator complex subunit 12; plus strand). Cytogenetic location: Xq13.1.
Variant type: single nucleotide variant.
Coding change: c.5203C>T on transcript NM_005120.3 (MANE Select); coding-DNA position 5203, C replaced by T.
Protein change: p.Arg1735Cys; replaces arginine 1735 with cysteine.
Molecular consequence: missense variant.
Genome position (GRCh38, 1-based): chrX:71,136,458, C>T. VCF-style: chrX-71136458-C-T. GRCh37 (hg19) VCF-style: chrX-70356308-C-T.
Other names: short protein forms R1735C.
Identifiers: ClinVar variation 1302065 (VCV001302065.5), dbSNP rs778386823, ClinGen allele CA10444753.

ClinVar aggregate classification (germline): Uncertain significance. Review status: criteria provided, multiple submitters, no conflicts (2 of 4 stars). 3 submissions from 3 submitters: Uncertain significance (2). 1 of the submissions does not count toward it. Last evaluated 2024-02-07.

Conditions:
FG syndrome (FGS). Identifiers: MedGen C0220769, MONDO:0002010.
MED12-Related Disorders. Also called: MED12-related disorder; MED12-related condition. Identifiers: MedGen CN381102.

Allele frequency attached by ClinVar (database versions not stated): gnomAD exomes below 0.00001 and 0.00001; TOPMed below 0.00001; ExAC 0.00001.
gnomAD v4.1: 1 of 1,209,700 alleles (0.000083%); highest among the groups gnomAD compares: Admixed American, 0.0022%; no homozygotes.

Submissions (3):

Labcorp Genetics (formerly Invitae), Labcorp
Classification: Uncertain significance for FG syndrome. Last evaluated: 2024-02-07. Review status: criteria provided, single submitter. Criteria: Invitae Variant Classification Sherloc (09022015). Collection method: clinical testing. Allele origin: germline.
Comment: This sequence change replaces arginine, which is basic and polar, with cysteine, which is neutral and slightly polar, at codon 1735 of the MED12 protein (p.Arg1735Cys). The frequency data for this variant in the population databases is considered unreliable, as metrics indicate poor data quality at this position in the gnomAD database. This missense change has been observed in individual(s) with MED12-related conditions (PMID: 35903967). ClinVar contains an entry for this variant (Variation ID: 1302065). Advanced modeling of protein sequence and biophysical properties (such as structural, functional, and spatial information, amino acid conservation, physicochemical variation, residue mobility, and thermodynamic stability) has been performed at Invitae for this missense variant, however the output from this modeling did not meet the statistical confidence thresholds required to predict the impact of this variant on MED12 protein function. In summary, the available evidence is currently insufficient to determine the role of this variant in disease. Therefore, it has been classified as a Variant of Uncertain Significance.

GeneDx
Classification: Uncertain significance. Last evaluated: 2019-05-01. Review status: criteria provided, single submitter. Criteria: GeneDx Variant Classification Process June 2021. Collection method: clinical testing. Allele origin: germline. Affected: yes.
Comment: Not observed at a significant frequency in large population cohorts (Lek et al., 2016); In silico analysis, which includes protein predictors and evolutionary conservation, supports a deleterious effect; Has not been previously published as pathogenic or benign to our knowledge

PreventionGenetics, part of Exact Sciences
Classification: Uncertain significance for MED12-related condition. Last evaluated: 2024-07-11. Review status: no assertion criteria provided. Collection method: clinical testing. Allele origin: germline. Not counted in ClinVar's aggregate classification.
Comment: The MED12 c.5203C>T variant is predicted to result in the amino acid substitution p.Arg1735Cys. This variant was reported in an individual with connective tissue disorder (Steinle et al. 2022. PubMed ID: 35903967). This variant is reported in 0.0037% of alleles in individuals of Latino descent in gnomAD. At this time, the clinical significance of this variant is uncertain due to the absence of conclusive functional and genetic evidence.

Literature cited by the submitters: PubMed 35903967 (cited by Labcorp Genetics (formerly Invitae), Labcorp).